The following is an entry in ClinVar:

ClinVar aggregate classification (germline): Conflicting classifications of pathogenicity. Review status: criteria provided, conflicting classifications (1 of 4 stars). 2 submissions from 2 submitters: Uncertain significance (1); Likely benign (1). Last evaluated 2025-12-10.

Conditions:
Hereditary cancer-predisposing syndrome. Also called: Tumor predisposition; Hereditary neoplastic syndrome; Neoplastic Syndromes, Hereditary; Hereditary Cancer Syndrome. Identifiers: Orphanet 140162, MedGen C0027672, MeSH D009386, MONDO:0015356.
Oligodontia-cancer predisposition syndrome. Also called: TOOTH AGENESIS-COLORECTAL CANCER SYNDROME. Identifiers: Orphanet 300576, MedGen C1837750, MONDO:0012075, OMIM 608615. Disease mechanism: loss of function.

Allele frequency attached by ClinVar (database versions not stated): gnomAD exomes below 0.00001.
gnomAD v4.1: 1 of 1,614,226 alleles (0.000062%); highest among the groups gnomAD compares: Middle Eastern, 0.016%; no homozygotes.

Submissions (2):

Ambry Genetics
Classification: Likely benign for Hereditary cancer-predisposing syndrome. Last evaluated: 2025-12-10. Review status: criteria provided, single submitter. Criteria: Ambry Variant Classification Scheme 2023. Collection method: clinical testing. Allele origin: germline.

Labcorp Genetics (formerly Invitae), Labcorp
Classification: Uncertain significance for Oligodontia-cancer predisposition syndrome. Last evaluated: 2025-03-03. Review status: criteria provided, single submitter. Criteria: Invitae Variant Classification Sherloc (09022015). Collection method: clinical testing. Allele origin: germline.
Comment: This sequence change replaces serine, which is neutral and polar, with glycine, which is neutral and non-polar, at codon 269 of the AXIN2 protein (p.Ser269Gly). This variant is present in population databases (no rsID available, gnomAD 0.0009%). This variant has not been reported in the literature in individuals affected with AXIN2-related conditions. ClinVar contains an entry for this variant (Variation ID: 1007999). Invitae Evidence Modeling of protein sequence and biophysical properties (such as structural, functional, and spatial information, amino acid conservation, physicochemical variation, residue mobility, and thermodynamic stability) indicates that this missense variant is not expected to disrupt AXIN2 protein function with a negative predictive value of 80%. In summary, the available evidence is currently insufficient to determine the role of this variant in disease. Therefore, it has been classified as a Variant of Uncertain Significance.

NM_004655.4(AXIN2):c.805A>G (p.Ser269Gly)

Gene: AXIN2 (axin 2; minus strand). Cytogenetic location: 17q24.1.
Variant type: single nucleotide variant.
Coding change: c.805A>G on transcript NM_004655.4 (MANE Select); coding-DNA position 805, A replaced by G.
Protein change: p.Ser269Gly; replaces serine 269 with glycine.
Molecular consequence: missense variant.
Genome position (GRCh38, 1-based): chr17:65,557,816, T>C on the plus strand (A>G on the coding strand, the complement: AXIN2 is on the minus strand). VCF-style: chr17-65557816-T-C. GRCh37 (hg19) VCF-style: chr17-63553934-T-C.
Other names: c.805A>G, p.Ser269Gly (NM_001363813.1); c.805A>G (NM_004655.3); short protein forms S269G.
Identifiers: ClinVar variation 1007999 (VCV001007999.11), dbSNP rs1229801064, ClinGen allele CA400680208.